The following is an entry in ClinVar:

NM_020759.3(STARD9):c.7325C>G (p.Pro2442Arg)

Gene: STARD9 (StAR related lipid transfer domain containing 9; plus strand). Cytogenetic location: 15q15.2.
Variant type: single nucleotide variant.
Coding change: c.7325C>G on transcript NM_020759.3 (MANE Select); coding-DNA position 7325, C replaced by G.
Protein change: p.Pro2442Arg; replaces proline 2442 with arginine.
Molecular consequence: missense variant.
Genome position (GRCh38, 1-based): chr15:42,688,903, C>G. VCF-style: chr15-42688903-C-G. GRCh37 (hg19) VCF-style: chr15-42981101-C-G.
Other names: short protein forms P2442R.
Identifiers: ClinVar variation 2645244 (VCV002645244.24), dbSNP rs202017657, ClinGen allele CA7514520.
Genomic context (GRCh38, chr15:42,688,903, plus strand): 5'-CTGGTGTACCAGAGAGCATTCCTCTGGGGACAGAGGACAGGATCTCAGCAAGCACCAGCC[C>G]CCAAGACCATGGAAAGGACCTCAGAATCACCTTGCTGGGTTTCAGTACCAGTGAAGATTT-3'
Protein context (NP_065810.2, residues 2432-2452): TEDRISASTS[Pro2442Arg]QDHGKDLRIT

ClinVar aggregate classification (germline): Likely benign (1 of 4 stars; one submission).

Allele frequency attached by ClinVar (database versions not stated): 1000 Genomes Project 30x 0.00016; TOPMed 0.00109; gnomAD 0.00172; ExAC 0.00184; gnomAD exomes 0.00223.
gnomAD v4.1: 3,328 of 1,537,338 alleles (0.22%); highest among the groups gnomAD compares: Non-Finnish European, 0.24%; 2 homozygotes.

Submission:

CeGaT Center for Human Genetics Tuebingen
Classification: Likely benign. Last evaluated: 2022-10-01. Review status: criteria provided, single submitter. Criteria: CeGaT Center For Human Genetics Tuebingen Variant Classification Criteria Version 2. Collection method: clinical testing. Allele origin: germline. Affected: yes. Observed: 2 variant alleles.
Comment: STARD9: BP4